The following is an entry in ClinVar:

NM_133510.4(RAD51B):c.1045A>G (p.Lys349Glu)

Gene: RAD51B (RAD51 paralog B; plus strand). Cytogenetic location: 14q24.1.
Variant type: single nucleotide variant.
Coding change: c.1045A>G on transcript NM_133510.4 (MANE Select); coding-DNA position 1045, A replaced by G.
Protein change: p.Lys349Glu; replaces lysine 349 with glutamic acid.
Molecular consequence: missense variant. On other transcripts: intron variant (9).
Genome position (GRCh38, 1-based): chr14:68,477,656, A>G. VCF-style: chr14-68477656-A-G. GRCh37 (hg19) VCF-style: chr14-68944373-A-G.
Other names: c.688A>G, p.Lys230Glu (NM_001321817.2); c.1036+9406A>G (NM_001321818.2, NM_001321809.2, NM_001321821.2 and 5 more transcripts); c.922+9406A>G (NM_001321815.1); short protein forms K230E, K349E.
Identifiers: ClinVar variation 4575288 (VCV004575288.1).

ClinVar aggregate classification (germline): Uncertain significance (1 of 4 stars; one submission).

gnomAD v4.1: 1 of 1,609,586 alleles (0.000062%); highest among the groups gnomAD compares: Non-Finnish European, 0.000085%; no homozygotes.

Submission:

Ambry Genetics
Classification: Uncertain significance. Last evaluated: 2025-10-09. Review status: criteria provided, single submitter. Criteria: Ambry Variant Classification Scheme 2023. Collection method: clinical testing. Allele origin: germline.
Comment: The p.K349E variant (also known as c.1045A>G), located in coding exon 10 of the RAD51B gene, results from an A to G substitution at nucleotide position 1045. The lysine at codon 349 is replaced by glutamic acid, an amino acid with similar properties. This amino acid position is conserved. In addition, this alteration is predicted to be tolerated by in silico analysis. Based on the available evidence, the clinical significance of this variant remains unclear.